The following is an entry in ClinVar:

ClinVar aggregate classification (germline): Uncertain significance (1 of 4 stars; one submission).

Submission:

Ambry Genetics
Classification: Uncertain significance. Last evaluated: 2026-01-22. Review status: criteria provided, single submitter. Criteria: Ambry Variant Classification Scheme 2023. Collection method: clinical testing. Allele origin: germline.
Comment: The p.T262R variant (also known as c.785C>G), located in coding exon 1 of the MC1R gene, results from a C to G substitution at nucleotide position 785. The threonine at codon 262 is replaced by arginine, an amino acid with similar properties. This amino acid position is conserved. In addition, this alteration is predicted to be tolerated by in silico analysis. Based on the available evidence, the clinical significance of this variant remains unclear.

NM_002386.4(MC1R):c.785C>G (p.Thr262Arg)

Gene: MC1R (melanocortin 1 receptor; plus strand). Cytogenetic location: 16q24.3.
Variant type: single nucleotide variant.
Coding change: c.785C>G on transcript NM_002386.4 (MANE Select); coding-DNA position 785, C replaced by G.
Protein change: p.Thr262Arg; replaces threonine 262 with arginine.
Molecular consequence: missense variant.
Genome position (GRCh38, 1-based): chr16:89,920,043, C>G. VCF-style: chr16-89920043-C-G. GRCh37 (hg19) VCF-style: chr16-89986451-C-G.
Other names: short protein forms T262R.
Identifiers: ClinVar variation 4824148 (VCV004824148.1).